The following is an entry in ClinVar:

NM_014915.3(ANKRD26):c.4048A>G (p.Met1350Val)

Gene: ANKRD26 (ankyrin repeat domain 26; minus strand). Cytogenetic location: 10p12.1.
Variant type: single nucleotide variant.
Coding change: c.4048A>G on transcript NM_014915.3 (MANE Select); coding-DNA position 4048, A replaced by G.
Protein change: p.Met1350Val; replaces methionine 1350 with valine.
Molecular consequence: missense variant.
Genome position (GRCh38, 1-based): chr10:27,024,484, T>C on the plus strand (A>G on the coding strand, the complement: ANKRD26 is on the minus strand). VCF-style: chr10-27024484-T-C. GRCh37 (hg19) VCF-style: chr10-27313413-T-C.
Other names: c.4045A>G, p.Met1349Val (NM_001256053.2); short protein forms M1349V, M1350V.
Identifiers: ClinVar variation 4825321 (VCV004825321.1).

ClinVar aggregate classification (germline): Uncertain significance (1 of 4 stars; one submission).

Conditions:
Inborn genetic diseases. Identifiers: MedGen C0950123, MeSH D030342.

Submission:

Ambry Genetics
Classification: Uncertain significance for Inborn genetic diseases. Last evaluated: 2026-03-12. Review status: criteria provided, single submitter. Criteria: Ambry Variant Classification Scheme 2023. Collection method: clinical testing. Allele origin: germline.
Comment: The p.M1350V variant (also known as c.4048A>G), located in coding exon 28 of the ANKRD26 gene, results from an A to G substitution at nucleotide position 4048. The methionine at codon 1350 is replaced by valine, an amino acid with highly similar properties. This amino acid position is conserved. In addition, this alteration is predicted to be tolerated by in silico analysis. Based on the available evidence, the clinical significance of this variant remains unclear.